The following is an entry in ClinVar:

ClinVar aggregate classification (germline): Pathogenic/Likely pathogenic. Review status: criteria provided, multiple submitters, no conflicts (2 of 4 stars). 10 submissions from 10 submitters: Pathogenic (7); Likely pathogenic (2). 1 of the submissions does not count toward it. Last evaluated 2026-01-20.

Conditions:
CHEK2-related disorder.
Breast and/or ovarian cancer. Identifiers: MedGen CN221562.
Hereditary cancer-predisposing syndrome. Also called: Neoplastic Syndromes, Hereditary; Hereditary Cancer Syndrome; Tumor predisposition; Hereditary neoplastic syndrome. Identifiers: Orphanet 140162, MedGen C0027672, MeSH D009386, MONDO:0015356.
Hereditary breast ovarian cancer syndrome. Also called: Hereditary breast and/or ovarian cancer syndrome; Hereditary breast and ovarian cancer syndrome (HBOC); Hereditary breast and ovarian cancer syndrome; Hereditary breast and ovarian cancer; Breast and ovarian cancer; BRCA1- and BRCA2-Associated Hereditary Breast and Ovarian Cancer. Identifiers: Orphanet 145, MedGen C0677776, MeSH D061325, MONDO:0003582. Disease mechanism: loss of function.
Familial cancer of breast. Also called: Hereditary breast cancer; hereditary breast carcinoma; BREAST CANCER, FAMILIAL. Identifiers: Orphanet 227535, MedGen C0346153, MONDO:0016419, OMIM 114480. Disease mechanism: loss of function.

Submissions (10):

Labcorp Genetics (formerly Invitae), Labcorp
Classification: Pathogenic for Familial cancer of breast. Last evaluated: 2026-01-20. Review status: criteria provided, single submitter. Criteria: Invitae Variant Classification Sherloc (09022015). Collection method: clinical testing. Allele origin: germline.
Comment: This sequence change creates a premature translational stop signal (p.Gln83Lysfs*27) in the CHEK2 gene. It is expected to result in an absent or disrupted protein product. Loss-of-function variants in CHEK2 are known to be pathogenic (PMID: 21876083, 24713400). This variant is present in population databases (rs587782766, gnomAD 0.004%). This premature translational stop signal has been observed in individual(s) with breast cancer (PMID: 27751358). ClinVar contains an entry for this variant (Variation ID: 142851). For these reasons, this variant has been classified as Pathogenic.

Ambry Genetics
Classification: Pathogenic for Hereditary cancer-predisposing syndrome. Last evaluated: 2025-01-22. Review status: criteria provided, single submitter. Criteria: Ambry Variant Classification Scheme 2023. Collection method: clinical testing. Allele origin: germline.
Comment: The c.247delC pathogenic mutation, located in coding exon 1 of the CHEK2 gene, results from a deletion of one nucleotide at nucleotide position 247, causing a translational frameshift with a predicted alternate stop codon (p.Q83Kfs*27). This variant was also reported in 1/60,466 breast cancer cases and in 0/53,461 controls (Dorling et al. N Engl J Med. 2021 02;384:428-439). This variant is considered to be rare based on population cohorts in the Genome Aggregation Database (gnomAD). In addition to the clinical data presented in the literature, this alteration is expected to result in loss of function by premature protein truncation or nonsense-mediated mRNA decay. As such, this alteration is interpreted as a disease-causing mutation.

Color Diagnostics, LLC DBA Color Health
Classification: Pathogenic for Hereditary cancer-predisposing syndrome. Last evaluated: 2024-07-30. Review status: criteria provided, single submitter. Criteria: ACMG Guidelines, 2015. Collection method: clinical testing. Allele origin: germline.
Comment: This variant deletes 1 nucleotide in exon 2 of the CHEK2 gene, creating a frameshift and premature translation stop signal. This variant is expected to result in an absent or non-functional protein product. This variant has been reported in individuals affected with breast cancer (PMID: 27751358, 33471991). This variant has been identified in 5/282814 chromosomes in the general population by the Genome Aggregation Database (gnomAD). Loss of CHEK2 function is a known mechanism of disease. Based on the available evidence, this variant is classified as Pathogenic.

Baylor Genetics
Classification: Pathogenic for Familial cancer of breast. Last evaluated: 2024-03-16. Review status: criteria provided, single submitter. Criteria: ACMG Guidelines, 2015. Collection method: clinical testing. Allele origin: unknown.

Women's Health and Genetics/Laboratory Corporation of America, LabCorp
Classification: Pathogenic for Hereditary breast ovarian cancer syndrome. Last evaluated: 2024-01-15. Review status: criteria provided, single submitter. Criteria: LabCorp Variant Classification Summary - May 2015. Collection method: clinical testing. Allele origin: germline.
Comment: Variant summary: CHEK2 c.247delC (p.Gln83LysfsX27) results in a premature termination codon, predicted to cause a truncation of the encoded protein or absence of the protein due to nonsense mediated decay, which are commonly known mechanisms for disease. The variant allele was found at a frequency of 1.6e-05 in 251454 control chromosomes (gnomAD). c.247delC has been reported in the literature in at-least one individual affected with Hereditary Breast And/or Ovarian Cancer Syndrome (example: Lu_2019). The following publication has been ascertained in the context of this evaluation (PMID: 30128536). ClinVar contains an entry for this variant (Variation ID: 142851). Based on the evidence outlined above, the variant was classified as pathogenic.

GeneDx
Classification: Pathogenic. Last evaluated: 2023-06-13. Review status: criteria provided, single submitter. Criteria: GeneDx Variant Classification Process June 2021. Collection method: clinical testing. Allele origin: germline. Affected: yes.
Comment: Frameshift variant predicted to result in protein truncation or nonsense mediated decay in a gene for which loss-of-function is a known mechanism of disease; Not observed at significant frequency in large population cohorts (gnomAD); This variant is associated with the following publications: (PMID: 28152038, 28783718, 27751358, 31447099, 29922827, 32805687, 24713400, 21876083, 32068069, 33471991)

Myriad Genetics, Inc.
Classification: Pathogenic for Familial cancer of breast. Last evaluated: 2023-03-08. Review status: criteria provided, single submitter. Criteria: Myriad Autosomal Dominant, Autosomal Recessive and X-Linked Classification Criteria (2023). Collection method: clinical testing. Allele origin: unknown.
Comment: This variant is considered pathogenic. This variant creates a frameshift predicted to result in premature protein truncation.

Blueprint Genetics
Classification: Likely pathogenic for CHEK2-related disorders. Last evaluated: 2022-09-08. Review status: criteria provided, single submitter. Criteria: ACMG Guidelines, 2015. Collection method: clinical testing. Allele origin: germline. Affected: yes. Observed: 5 variant alleles.

CHEO Genetics Diagnostic Laboratory, Children's Hospital of Eastern Ontario
Classification: Likely pathogenic for Breast and/or ovarian cancer. Last evaluated: 2022-02-01. Review status: criteria provided, single submitter. Criteria: ACMG Guidelines, 2015. Collection method: clinical testing. Allele origin: germline.

Counsyl
Classification: Likely pathogenic for Familial cancer of breast. Last evaluated: 2016-06-04. Review status: no assertion criteria provided. Collection method: clinical testing. Allele origin: unknown. Not counted in ClinVar's aggregate classification.

Literature cited by the submitters: PubMed 21876083 (cited by Labcorp Genetics (formerly Invitae), Labcorp); PubMed 24713400 (cited by Labcorp Genetics (formerly Invitae), Labcorp); PubMed 27751358 (cited by Labcorp Genetics (formerly Invitae), Labcorp and Color Diagnostics, LLC DBA Color Health); PubMed 32068069 (cited by Ambry Genetics); PubMed 33471991 (cited by Ambry Genetics and Color Diagnostics, LLC DBA Color Health); PubMed 30128536 (cited by Women's Health and Genetics/Laboratory Corporation of America, LabCorp).

NM_007194.4(CHEK2):c.247del (p.Gln83fs)

Gene: CHEK2 (checkpoint kinase 2; minus strand). Cytogenetic location: 22q12.1.
Variant type: Deletion.
Coding change: c.247del on transcript NM_007194.4 (MANE Select); coding-DNA position 247, one base deleted (C; older notation c.247delC).
Protein change: p.Gln83fs; shifts the reading frame from glutamine 83.
Molecular consequence: frameshift variant.
Genome position (GRCh38, 1-based): chr22:28,734,475, G deleted on the plus strand (C on the coding strand, the reverse complement: CHEK2 is on the minus strand); the first of 2 consecutive G bases (chr22:28,734,475-28,734,476); deleting either gives the same sequence. VCF-style (leftmost placement, unchanged base first): chr22-28734474-TG-T. GRCh37 (hg19) VCF-style: chr22-29130462-TG-T.
Other names: c.247delC (NM_007194.4); c.246delC, p.Gln83Lysfs (NM_001005735.3, NM_001349956.3, NM_145862.3); c.-532delC (NM_001257387.3); short protein forms Q83fs.
Identifiers: ClinVar variation 142851 (VCV000142851.32), dbSNP rs587782766, ClinGen allele CA169575.